The following is an entry in ClinVar:

NM_001557.4(CXCR2):c.876C>T (p.Ile292=)

Gene: CXCR2 (C-X-C motif chemokine receptor 2; plus strand). Cytogenetic location: 2q35.
Variant type: single nucleotide variant.
Coding change: c.876C>T on transcript NM_001557.4 (MANE Select); coding-DNA position 876, C replaced by T.
Protein change: p.Ile292=; no amino-acid change (isoleucine 292 retained).
Molecular consequence: synonymous variant.
Genome position (GRCh38, 1-based): chr2:218,135,677, C>T. VCF-style: chr2-218135677-C-T. GRCh37 (hg19) VCF-style: chr2-219000400-C-T.
Other names: c.876C>T, p.Ile292= (NM_001168298.2).
Identifiers: ClinVar variation 1917787 (VCV001917787.6), dbSNP rs199873547, ClinGen allele CA2101801.

ClinVar aggregate classification (germline): Likely benign. Review status: criteria provided, multiple submitters, no conflicts (2 of 4 stars). 2 submissions from 2 submitters: Likely benign (2). Last evaluated 2026-07-01.

Allele frequency attached by ClinVar (database versions not stated): gnomAD 0.00001.
gnomAD v4.1: 14 of 1,613,496 alleles (0.00087%); highest among the groups gnomAD compares: East Asian, 0.0067%; no homozygotes.

Submissions (2):

CeGaT Center for Human Genetics Tuebingen
Classification: Likely benign. Last evaluated: 2026-07-01. Review status: criteria provided, single submitter. Criteria: CeGaT Center For Human Genetics Tuebingen Variant Classification Criteria Version 2. Collection method: clinical testing. Allele origin: germline. Affected: yes. Observed: 1 variant allele.
Comment: CXCR2: BP4, BP7

Labcorp Genetics (formerly Invitae), Labcorp
Classification: Likely benign. Last evaluated: 2022-10-26. Review status: criteria provided, single submitter. Criteria: Invitae Variant Classification Sherloc (09022015). Collection method: clinical testing. Allele origin: germline.